The following is an entry in ClinVar:

NM_001128148.3(TFRC):c.6G>A (p.Met2Ile)

Gene: TFRC (transferrin receptor; minus strand). Cytogenetic location: 3q29.
Variant type: single nucleotide variant.
Coding change: c.6G>A on transcript NM_001128148.3 (MANE Select); coding-DNA position 6, G replaced by A.
Protein change: p.Met2Ile; replaces methionine 2 with isoleucine.
Molecular consequence: missense variant. On other transcripts: 5 prime UTR variant (2).
Genome position (GRCh38, 1-based): chr3:196,077,094, C>T on the plus strand (G>A on the coding strand, the complement: TFRC is on the minus strand). VCF-style: chr3-196077094-C-T. GRCh37 (hg19) VCF-style: chr3-195803965-C-T.
Other names: c.-36G>A (NM_001313965.2); c.-443G>A (NM_001313966.2); c.6G>A, p.Met2Ile (NM_003234.4); short protein forms M2I.
Identifiers: ClinVar variation 2713598 (VCV002713598.2), dbSNP rs748873584, ClinGen allele CA2778436.

ClinVar aggregate classification (germline): Uncertain significance (1 of 4 stars; one submission).

Allele frequency attached by ClinVar (database versions not stated): gnomAD exomes below 0.00001; ExAC 0.00001.

Submission:

Labcorp Genetics (formerly Invitae), Labcorp
Classification: Uncertain significance. Last evaluated: 2023-09-19. Review status: criteria provided, single submitter. Criteria: Invitae Variant Classification Sherloc (09022015). Collection method: clinical testing. Allele origin: germline.
Comment: In summary, the available evidence is currently insufficient to determine the role of this variant in disease. Therefore, it has been classified as a Variant of Uncertain Significance. An algorithm developed to predict the effect of missense changes on protein structure and function (PolyPhen-2) suggests that this variant is likely to be disruptive. This variant has not been reported in the literature in individuals affected with TFRC-related conditions. This variant is present in population databases (rs748873584, gnomAD 0.0009%). This sequence change replaces methionine, which is neutral and non-polar, with isoleucine, which is neutral and non-polar, at codon 2 of the TFRC protein (p.Met2Ile).